The following is an entry in ClinVar:

NM_006231.4(POLE):c.2461C>T (p.Arg821Cys)

Gene: POLE (DNA polymerase epsilon, catalytic subunit; minus strand). Cytogenetic location: 12q24.33.
Variant type: single nucleotide variant.
Coding change: c.2461C>T on transcript NM_006231.4 (MANE Select); coding-DNA position 2461, C replaced by T.
Protein change: p.Arg821Cys; replaces arginine 821 with cysteine.
Molecular consequence: missense variant.
Genome position (GRCh38, 1-based): chr12:132,665,309, G>A on the plus strand (C>T on the coding strand, the complement: POLE is on the minus strand). VCF-style: chr12-132665309-G-A. GRCh37 (hg19) VCF-style: chr12-133241895-G-A.
Other names: c.2461C>T (NM_006231.2); short protein forms R821C.
Identifiers: ClinVar variation 847399 (VCV000847399.9), dbSNP rs1483635586, ClinGen allele CA387396894.

ClinVar aggregate classification (germline): Uncertain significance. Review status: criteria provided, multiple submitters, no conflicts (2 of 4 stars). 3 submissions from 3 submitters: Uncertain significance (2). 1 of the submissions does not count toward it. Last evaluated 2025-08-20.

Conditions:
Hereditary cancer-predisposing syndrome. Also called: Tumor predisposition; Hereditary neoplastic syndrome; Neoplastic Syndromes, Hereditary; Hereditary Cancer Syndrome. Identifiers: Orphanet 140162, MedGen C0027672, MeSH D009386, MONDO:0015356.
POLE-related disorder. Also called: POLE-related condition; POLE-related disorders.

Allele frequency attached by ClinVar (database versions not stated): TOPMed below 0.00001; gnomAD 0.00001.
gnomAD v4.1: 3 of 1,613,236 alleles (0.00019%); highest among the groups gnomAD compares: Non-Finnish European, 0.00025%; no homozygotes.

Submissions (3):

Labcorp Genetics (formerly Invitae), Labcorp
Classification: Uncertain significance. Last evaluated: 2025-08-20. Review status: criteria provided, single submitter. Criteria: Invitae Variant Classification Sherloc (09022015). Collection method: clinical testing. Allele origin: germline.
Comment: This sequence change replaces arginine, which is basic and polar, with cysteine, which is neutral and slightly polar, at codon 821 of the POLE protein (p.Arg821Cys). This variant is not present in population databases (gnomAD no frequency). This variant has not been reported in the literature in individuals affected with POLE-related conditions. ClinVar contains an entry for this variant (Variation ID: 847399). Invitae Evidence Modeling of protein sequence and biophysical properties (such as structural, functional, and spatial information, amino acid conservation, physicochemical variation, residue mobility, and thermodynamic stability) indicates that this missense variant is expected to disrupt POLE protein function with a positive predictive value of 80%. In summary, the available evidence is currently insufficient to determine the role of this variant in disease. Therefore, it has been classified as a Variant of Uncertain Significance.

Ambry Genetics
Classification: Uncertain significance for Hereditary cancer-predisposing syndrome. Last evaluated: 2025-02-10. Review status: criteria provided, single submitter. Criteria: Ambry Variant Classification Scheme 2023. Collection method: clinical testing. Allele origin: germline.
Comment: The p.R821C variant (also known as c.2461C>T), located in coding exon 21 of the POLE gene, results from a C to T substitution at nucleotide position 2461. The arginine at codon 821 is replaced by cysteine, an amino acid with highly dissimilar properties. This amino acid position is highly conserved in available vertebrate species. In addition, the in silico prediction for this alteration is inconclusive. Based on the available evidence, the clinical significance of this variant remains unclear.

PreventionGenetics, part of Exact Sciences
Classification: Uncertain significance for POLE-related condition. Last evaluated: 2024-03-25. Review status: no assertion criteria provided. Collection method: clinical testing. Allele origin: germline. Not counted in ClinVar's aggregate classification.
Comment: The POLE c.2461C>T variant is predicted to result in the amino acid substitution p.Arg821Cys. To our knowledge, this variant has not been reported in the literature or in a large population database, indicating this variant is rare. At this time, the clinical significance of this variant is uncertain due to the absence of conclusive functional and genetic evidence.